The following is an entry in ClinVar:

NM_001114753.3(ENG):c.1574A>G (p.Glu525Gly)

Genes: ENG (endoglin; minus strand), LOC102723566 (uncharacterized LOC102723566; plus strand). Cytogenetic location: 9q34.11.
Variant type: single nucleotide variant.
Coding change: c.1574A>G on transcript NM_001114753.3 (MANE Select); coding-DNA position 1574, A replaced by G.
Protein change: p.Glu525Gly; replaces glutamic acid 525 with glycine.
Molecular consequence: missense variant.
Genome position (GRCh38, 1-based): chr9:127,818,232, T>C on the plus strand (A>G on the coding strand, the complement: ENG is on the minus strand). VCF-style: chr9-127818232-T-C. GRCh37 (hg19) VCF-style: chr9-130580511-T-C.
Other names: c.1574A>G, p.Glu525Gly (NM_000118.4); c.1028A>G, p.Glu343Gly (NM_001278138.2); short protein forms E343G, E525G.
Identifiers: ClinVar variation 5035959 (VCV005035959.1).
Genomic context (GRCh38, chr9:127,818,232, plus strand): 5'-CCGGTTTTGGGTATGGGTACTGTGTAGAAGTGGAGGAGGAAGCTGAAGCGCGGGTCACCC[T>C]CGGGGCTTGGGGACAGCAGGCTCACACAGTTGCCCTTGGCCGCCCGGCCCTGGATGAGTT-3'
Protein context (NP_001108225.1, residues 515-535): NCVSLLSPSP[Glu525Gly]GDPRFSFLLH

ClinVar aggregate classification (germline): Uncertain significance (1 of 4 stars; one submission).

Conditions:
Cardiovascular phenotype. Identifiers: MedGen CN230736.

Submission:

Ambry Genetics
Classification: Uncertain significance for Cardiovascular phenotype. Last evaluated: 2026-07-11. Review status: criteria provided, single submitter. Criteria: Ambry Variant Classification Scheme 2023. Collection method: clinical testing. Allele origin: germline.
Comment: The p.E525G variant (also known as c.1574A>G), located in coding exon 12 of the ENG gene, results from an A to G substitution at nucleotide position 1574. The glutamic acid at codon 525 is replaced by glycine, an amino acid with similar properties. This amino acid position is conserved. In addition, this alteration is predicted to be tolerated by in silico analysis. Based on the available evidence, the clinical significance of this variant remains unclear.